The following is an entry in ClinVar:

ClinVar aggregate classification (germline): Uncertain significance (1 of 4 stars; one submission).

Submission:

Labcorp Genetics (formerly Invitae), Labcorp
Classification: Uncertain significance. Last evaluated: 2022-05-16. Review status: criteria provided, single submitter. Criteria: Invitae Variant Classification Sherloc (09022015). Collection method: clinical testing. Allele origin: germline.
Comment: In summary, the available evidence is currently insufficient to determine the role of this variant in disease. Therefore, it has been classified as a Variant of Uncertain Significance. Algorithms developed to predict the effect of missense changes on protein structure and function (SIFT, PolyPhen-2, Align-GVGD) all suggest that this variant is likely to be disruptive. This variant has not been reported in the literature in individuals affected with DHX38-related conditions. This variant is not present in population databases (gnomAD no frequency). This sequence change replaces serine, which is neutral and polar, with cysteine, which is neutral and slightly polar, at codon 524 of the DHX38 protein (p.Ser524Cys).

NM_014003.4(DHX38):c.1571C>G (p.Ser524Cys)

Gene: DHX38 (DEAH-box helicase 38; plus strand). Cytogenetic location: 16q22.2.
Variant type: single nucleotide variant.
Coding change: c.1571C>G on transcript NM_014003.4 (MANE Select); coding-DNA position 1571, C replaced by G.
Protein change: p.Ser524Cys; replaces serine 524 with cysteine.
Molecular consequence: missense variant.
Genome position (GRCh38, 1-based): chr16:72,103,145, C>G. VCF-style: chr16-72103145-C-G. GRCh37 (hg19) VCF-style: chr16-72137044-C-G.
Other names: short protein forms S524C.
Identifiers: ClinVar variation 1995203 (VCV001995203.4), dbSNP rs2507101864, ClinGen allele CA396707516.
Genomic context (GRCh38, chr16:72,103,145, plus strand): 5'-AGTTTGCAGATCACATGAAGAGAAAGAGCGAAGCCAGCAGTGAATTTGCAAAGAAGAAGT[C>G]CATCCTGGAGCAGAGGCAGTACCTGCCCATCTTTGCAGTGCAGCAGGAGCTGCTCACTAT-3'
Protein context (NP_054722.2, residues 514-534): EASSEFAKKK[Ser524Cys]ILEQRQYLPI